The following is an entry in ClinVar:

NM_003846.3(PEX11B):c.527C>T (p.Pro176Leu)

Gene: PEX11B (peroxisomal biogenesis factor 11 beta; minus strand). Cytogenetic location: 1q21.1.
Variant type: single nucleotide variant.
Coding change: c.527C>T on transcript NM_003846.3 (MANE Select); coding-DNA position 527, C replaced by T.
Protein change: p.Pro176Leu; replaces proline 176 with leucine.
Molecular consequence: missense variant. On other transcripts: non-coding transcript variant (3).
Genome position (GRCh38, 1-based): chr1:145,912,414, G>A on the plus strand (C>T on the coding strand, the complement: PEX11B is on the minus strand). VCF-style: chr1-145912414-G-A. GRCh37 (hg19) VCF-style: chr1-145522666-C-T.
Other names: c.485C>T, p.Pro162Leu (NM_001184795.1); short protein forms P162L, P176L.
Identifiers: ClinVar variation 4996213 (VCV004996213.1).

ClinVar aggregate classification (germline): Uncertain significance (1 of 4 stars; one submission).

Conditions:
PEX11B-related disorder. Also called: PEX11B-related condition.

Submission:

PreventionGenetics, part of Exact Sciences
Classification: Uncertain significance for PEX11B-related condition. Last evaluated: 2026-06-18. Review status: criteria provided, single submitter. Criteria: ACMG Guidelines, 2015. Collection method: clinical testing. Allele origin: germline.
Comment: The PEX11B c.527C>T variant is predicted to result in the amino acid substitution p.Pro176Leu. To our knowledge, this variant has not been reported in the literature or in a large population database (gnomAD), indicating this variant is rare. At this time, the clinical significance of this variant is uncertain due to the absence of conclusive functional and genetic evidence.